The following is an entry in ClinVar:

ClinVar aggregate classification (germline): Uncertain significance (1 of 4 stars; one submission).

Submission:

Labcorp Genetics (formerly Invitae), Labcorp
Classification: Uncertain significance. Last evaluated: 2024-04-09. Review status: criteria provided, single submitter. Criteria: Invitae Variant Classification Sherloc (09022015). Collection method: clinical testing. Allele origin: germline.
Comment: This sequence change replaces threonine, which is neutral and polar, with isoleucine, which is neutral and non-polar, at codon 652 of the DSG1 protein (p.Thr652Ile). This variant is not present in population databases (gnomAD no frequency). This variant has not been reported in the literature in individuals affected with DSG1-related conditions. Advanced modeling of protein sequence and biophysical properties (such as structural, functional, and spatial information, amino acid conservation, physicochemical variation, residue mobility, and thermodynamic stability) performed at Invitae indicates that this missense variant is not expected to disrupt DSG1 protein function with a negative predictive value of 80%. In summary, the available evidence is currently insufficient to determine the role of this variant in disease. Therefore, it has been classified as a Variant of Uncertain Significance.

NM_001942.4(DSG1):c.1955C>T (p.Thr652Ile)

Genes: DSG1 (desmoglein 1; plus strand), DSG1-AS1 (DSG1 antisense RNA 1; minus strand). Cytogenetic location: 18q12.1.
Variant type: single nucleotide variant.
Coding change: c.1955C>T on transcript NM_001942.4 (MANE Select); coding-DNA position 1955, C replaced by T.
Protein change: p.Thr652Ile; replaces threonine 652 with isoleucine.
Molecular consequence: missense variant.
Genome position (GRCh38, 1-based): chr18:31,346,053, C>T. VCF-style: chr18-31346053-C-T. GRCh37 (hg19) VCF-style: chr18-28926016-C-T.
Other names: short protein forms T652I.
Identifiers: ClinVar variation 3648678 (VCV003648678.2).